The following is an entry in ClinVar:

NM_002519.3(NPAT):c.749G>T (p.Arg250Leu)

Gene: NPAT (nuclear protein, coactivator of histone transcription; minus strand). Cytogenetic location: 11q22.3.
Variant type: single nucleotide variant.
Coding change: c.749G>T on transcript NM_002519.3 (MANE Select); coding-DNA position 749, G replaced by T.
Protein change: p.Arg250Leu; replaces arginine 250 with leucine.
Molecular consequence: missense variant.
Genome position (GRCh38, 1-based): chr11:108,185,472, C>A on the plus strand (G>T on the coding strand, the complement: NPAT is on the minus strand). VCF-style: chr11-108185472-C-A. GRCh37 (hg19) VCF-style: chr11-108056199-C-A.
Other names: c.749G>T, p.Arg250Leu (NM_001321307.1); c.749G>T (NM_002519.2); short protein forms R250L.
Identifiers: ClinVar variation 2034299 (VCV002034299.5), dbSNP rs2496738148, ClinGen allele CA382521299.
Genomic context (GRCh38, chr11:108,185,472, plus strand): 5'-AATTTATTTATGTTTTCTGCTAGCTTTTCTTGAAGAGATTTGTTGCTTAGTATTTTTTCT[C>A]GTGCATTTTCAATAACCATTTGCTGGAAAAGAAAGCCACTGTTAGCAAAAGGACAATAAA-3'
Protein context (NP_002510.2, residues 240-260): VEKQMVIENA[Arg250Leu]EKILSNKSLQ

ClinVar aggregate classification (germline): Uncertain significance. Review status: criteria provided, multiple submitters, no conflicts (2 of 4 stars). 2 submissions from 2 submitters: Uncertain significance (2). Last evaluated 2024-08-12.

Submissions (2):

Ambry Genetics
Classification: Uncertain significance. Last evaluated: 2024-08-12. Review status: criteria provided, single submitter. Criteria: Ambry Variant Classification Scheme 2023. Collection method: clinical testing. Allele origin: germline.
Comment: The p.R250L variant (also known as c.749G>T), located in coding exon 9 of the NPAT gene, results from a G to T substitution at nucleotide position 749. The arginine at codon 250 is replaced by leucine, an amino acid with dissimilar properties. This amino acid position is conserved. In addition, this alteration is predicted to be tolerated by in silico analysis. Based on the available evidence, the clinical significance of this variant remains unclear.

Labcorp Genetics (formerly Invitae), Labcorp
Classification: Uncertain significance. Last evaluated: 2023-02-04. Review status: criteria provided, single submitter. Criteria: Invitae Variant Classification Sherloc (09022015). Collection method: clinical testing. Allele origin: germline.
Comment: This variant is not present in population databases (gnomAD no frequency). In summary, the available evidence is currently insufficient to determine the role of this variant in disease. Therefore, it has been classified as a Variant of Uncertain Significance. Algorithms developed to predict the effect of missense changes on protein structure and function are either unavailable or do not agree on the potential impact of this missense change (SIFT: "Deleterious"; PolyPhen-2: "Probably Damaging"; Align-GVGD: "Class C0"). This variant has not been reported in the literature in individuals affected with NPAT-related conditions. This sequence change replaces arginine, which is basic and polar, with leucine, which is neutral and non-polar, at codon 250 of the NPAT protein (p.Arg250Leu).